The following is an entry in ClinVar:

NM_147196.3(TMIE):c.30C>T (p.Leu10=)

Gene: TMIE (transmembrane inner ear; plus strand). Cytogenetic location: 3p21.31.
Variant type: single nucleotide variant.
Coding change: c.30C>T on transcript NM_147196.3 (MANE Select); coding-DNA position 30, C replaced by T.
Protein change: p.Leu10=; no amino-acid change (leucine 10 retained).
Molecular consequence: synonymous variant. On other transcripts: intron variant (2).
Genome position (GRCh38, 1-based): chr3:46,701,517, C>T. VCF-style: chr3-46701517-C-T. GRCh37 (hg19) VCF-style: chr3-46743007-C-T.
Other names: c.-66-4273C>T (NM_001370524.1, NM_001370525.1); c.30C>T (NM_147196.2).
Identifiers: ClinVar variation 2176974 (VCV002176974.6), dbSNP rs975071792, ClinGen allele CA73727382.

ClinVar aggregate classification (germline): Likely benign. Review status: criteria provided, multiple submitters, no conflicts (2 of 4 stars). 3 submissions from 3 submitters: Likely benign (3). Last evaluated 2026-07-13.

Conditions:
TMIE-related disorder. Also called: TMIE-related condition.

Allele frequency attached by ClinVar (database versions not stated): gnomAD 0.00002; TOPMed 0.00002; gnomAD exomes 0.00003.
gnomAD v4.1: 40 of 1,333,260 alleles (0.003%); highest among the groups gnomAD compares: Admixed American, 0.0082%; no homozygotes.

Submissions (3):

PreventionGenetics, part of Exact Sciences
Classification: Likely benign for TMIE-related condition. Last evaluated: 2026-07-13. Review status: criteria provided, single submitter. Criteria: ACMG Guidelines, 2015. Collection method: clinical testing. Allele origin: germline.
Comment: This variant is classified as likely benign based on ACMG/AMP sequence variant interpretation guidelines (Richards et al. 2015 PMID: 25741868, with internal and published modifications).

Labcorp Genetics (formerly Invitae), Labcorp
Classification: Likely benign. Last evaluated: 2025-11-21. Review status: criteria provided, single submitter. Criteria: Invitae Variant Classification Sherloc (09022015). Collection method: clinical testing. Allele origin: germline.

Blueprint Genetics
Classification: Likely benign. Last evaluated: 2024-09-09. Review status: criteria provided, single submitter. Criteria: ACMG Guidelines, 2015. Collection method: clinical testing. Allele origin: germline.